The following is an entry in ClinVar:

ClinVar aggregate classification (germline): Uncertain significance (1 of 4 stars; one submission).

gnomAD v4.1: 1 of 1,614,062 alleles (0.000062%); highest among the groups gnomAD compares: Non-Finnish European, 0.000085%; no homozygotes.

Submission:

Labcorp Genetics (formerly Invitae), Labcorp
Classification: Uncertain significance. Last evaluated: 2022-07-30. Review status: criteria provided, single submitter. Criteria: Invitae Variant Classification Sherloc (09022015). Collection method: clinical testing. Allele origin: germline.
Comment: In summary, the available evidence is currently insufficient to determine the role of this variant in disease. Therefore, it has been classified as a Variant of Uncertain Significance. This variant is present in population databases (rs369633219, gnomAD 0.0009%). This sequence change replaces glutamic acid, which is acidic and polar, with aspartic acid, which is acidic and polar, at codon 602 of the BACH2 protein (p.Glu602Asp). This variant has not been reported in the literature in individuals affected with BACH2-related conditions. Algorithms developed to predict the effect of missense changes on protein structure and function are either unavailable or do not agree on the potential impact of this missense change (SIFT: "Deleterious"; PolyPhen-2: "Probably Damaging"; Align-GVGD: "Class C0"). Algorithms developed to predict the effect of sequence changes on RNA splicing suggest that this variant may disrupt the consensus splice site.

NM_021813.4(BACH2):c.1806G>T (p.Glu602Asp)

Gene: BACH2 (BACH transcriptional regulator 2; minus strand). Cytogenetic location: 6q15.
Variant type: single nucleotide variant.
Coding change: c.1806G>T on transcript NM_021813.4 (MANE Select); coding-DNA position 1806, G replaced by T.
Protein change: p.Glu602Asp; replaces glutamic acid 602 with aspartic acid.
Molecular consequence: missense variant.
Genome position (GRCh38, 1-based): chr6:89,950,300, C>A on the plus strand (G>T on the coding strand, the complement: BACH2 is on the minus strand). VCF-style: chr6-89950300-C-A. GRCh37 (hg19) VCF-style: chr6-90660019-C-A.
Other names: c.1806G>T, p.Glu602Asp (NM_001170794.2); short protein forms E602D.
Identifiers: ClinVar variation 1714410 (VCV001714410.5), dbSNP rs369633219, ClinGen allele CA3927931.
Genomic context (GRCh38, chr6:89,950,300, plus strand): 5'-CACATGCTTGAATTTATGTGGGTTCCCTACCTCCTGGCCCCTGTCCTGCACAGGACACGA[C>A]TCACTGTCTGCTTCCGAGAACGATCCGGATTCGTCACTGGAGTTGGTTCCATAAGACTGC-3'
Protein context (NP_068585.1, residues 592-612): ESGSFSEADS[Glu602Asp]SCPVQDRGQE